The following is an entry in ClinVar:

ClinVar aggregate classification (germline): Pathogenic (1 of 4 stars; one submission).

Conditions:
Marfan syndrome (MFS). Also called: MARFAN SYNDROME, TYPE I; Marfan syndrome type 1; Marfan's syndrome; Marfan syndrome, classic; FBN1-Related Marfan Syndrome. Identifiers: Orphanet 284963, Orphanet 558, MedGen C0024796, MONDO:0007947, OMIM 154700.
Familial thoracic aortic aneurysm and aortic dissection (TAAD). Also called: Thoracic aortic aneurysms and dissections. Identifiers: Orphanet 91387, MedGen C4707243, MONDO:0019625.

Submission:

Labcorp Genetics (formerly Invitae), Labcorp
Classification: Pathogenic for Marfan syndrome; Familial thoracic aortic aneurysm and aortic dissection. Last evaluated: 2023-01-19. Review status: criteria provided, single submitter. Criteria: Invitae Variant Classification Sherloc (09022015). Collection method: clinical testing. Allele origin: germline.
Comment: This sequence change replaces glycine, which is neutral and non-polar, with serine, which is neutral and polar, at codon 1310 of the FBN1 protein (p.Gly1310Ser). For these reasons, this variant has been classified as Pathogenic. Advanced modeling of protein sequence and biophysical properties (such as structural, functional, and spatial information, amino acid conservation, physicochemical variation, residue mobility, and thermodynamic stability) performed at Invitae indicates that this missense variant is expected to disrupt FBN1 protein function. This missense change has been observed in individual(s) with FBN1-related conditions (PMID: 24940037). It has also been observed to segregate with disease in related individuals. This variant is not present in population databases (gnomAD no frequency).

Literature cited by the submitters: PubMed 24940037.

NM_000138.5(FBN1):c.3928G>A (p.Gly1310Ser)

Gene: FBN1 (fibrillin 1; minus strand). Cytogenetic location: 15q21.1.
Variant type: single nucleotide variant.
Coding change: c.3928G>A on transcript NM_000138.5 (MANE Select); coding-DNA position 3928, G replaced by A.
Protein change: p.Gly1310Ser; replaces glycine 1310 with serine.
Molecular consequence: missense variant.
Genome position (GRCh38, 1-based): chr15:48,481,691, C>T on the plus strand (G>A on the coding strand, the complement: FBN1 is on the minus strand). VCF-style: chr15-48481691-C-T. GRCh37 (hg19) VCF-style: chr15-48773888-C-T.
Other names: c.3928G>A, p.Gly1310Ser (NM_001406716.1); short protein forms G1310S.
Identifiers: ClinVar variation 2925558 (VCV002925558.3), dbSNP rs2043466325, ClinGen allele CA392322268.